The following is an entry in ClinVar:

ClinVar aggregate classification (germline): Uncertain significance (1 of 4 stars; one submission).

Conditions:
Familial hemophagocytic lymphohistiocytosis 2 (FHL2). Also called: PRF1-Related Familial Hemophagocytic Lymphohistiocytosis (PRF1-fHLH). Identifiers: Orphanet 540, MedGen C1863727, MONDO:0011337, OMIM 603553.

Allele frequency attached by ClinVar (database versions not stated): gnomAD exomes below 0.00001.

Submission:

Labcorp Genetics (formerly Invitae), Labcorp
Classification: Uncertain significance for Familial hemophagocytic lymphohistiocytosis 2. Last evaluated: 2022-03-14. Review status: criteria provided, single submitter. Criteria: Invitae Variant Classification Sherloc (09022015). Collection method: clinical testing. Allele origin: germline.
Comment: This sequence change replaces tyrosine, which is neutral and polar, with cysteine, which is neutral and slightly polar, at codon 325 of the PRF1 protein (p.Tyr325Cys). This variant is present in population databases (no rsID available, gnomAD 0.007%). This variant has not been reported in the literature in individuals affected with PRF1-related conditions. ClinVar contains an entry for this variant (Variation ID: 656257). Algorithms developed to predict the effect of missense changes on protein structure and function (SIFT, PolyPhen-2, Align-GVGD) all suggest that this variant is likely to be disruptive. In summary, the available evidence is currently insufficient to determine the role of this variant in disease. Therefore, it has been classified as a Variant of Uncertain Significance.

NM_001083116.3(PRF1):c.974A>G (p.Tyr325Cys)

Gene: PRF1 (perforin 1; minus strand). Cytogenetic location: 10q22.1.
Variant type: single nucleotide variant.
Coding change: c.974A>G on transcript NM_001083116.3 (MANE Select); coding-DNA position 974, A replaced by G.
Protein change: p.Tyr325Cys; replaces tyrosine 325 with cysteine.
Molecular consequence: missense variant.
Genome position (GRCh38, 1-based): chr10:70,598,747, T>C on the plus strand (A>G on the coding strand, the complement: PRF1 is on the minus strand). VCF-style: chr10-70598747-T-C. GRCh37 (hg19) VCF-style: chr10-72358503-T-C.
Other names: c.974A>G, p.Tyr325Cys (NM_005041.6); short protein forms Y325C.
Identifiers: ClinVar variation 656257 (VCV000656257.8), dbSNP rs1468823939, ClinGen allele CA376957577.
Genomic context (GRCh38, chr10:70,598,747, plus strand): 5'-GGTTCCAGGGTGTAGTCCACCAGGCCAGGGCTGCCGGGCAGCGAGTTTACCCAGGCTGAG[T>C]ACTGCTCGGGCCCGGCCTGGATCCCGAACAGCAGGTCGTTAATGGAGGTGTGATGGCCGC-3'
Protein context (NP_001076585.1, residues 315-335): LFGIQAGPEQ[Tyr325Cys]SAWVNSLPGS